The following is an entry in ClinVar:

NM_003742.4(ABCB11):c.233G>A (p.Gly78Asp)

Gene: ABCB11 (ATP binding cassette subfamily B member 11; minus strand). Cytogenetic location: 2q31.1.
Variant type: single nucleotide variant.
Coding change: c.233G>A on transcript NM_003742.4 (MANE Select); coding-DNA position 233, G replaced by A.
Protein change: p.Gly78Asp; replaces glycine 78 with aspartic acid.
Molecular consequence: missense variant.
Genome position (GRCh38, 1-based): chr2:169,013,428, C>T on the plus strand (G>A on the coding strand, the complement: ABCB11 is on the minus strand). VCF-style: chr2-169013428-C-T. GRCh37 (hg19) VCF-style: chr2-169869938-C-T.
Other names: short protein forms G78D.
Identifiers: ClinVar variation 4846031 (VCV004846031.1).

ClinVar aggregate classification (germline): Uncertain significance (1 of 4 stars; one submission).

Conditions:
Familial intrahepatic cholestasis. Identifiers: Orphanet 284385, MedGen CN296401, MONDO:0017290.

Submission:

Genomenon, Inc
Classification: Uncertain significance for Familial intrahepatic cholestasis. Last evaluated: 2026-04-14. Review status: criteria provided, single submitter. Criteria: Genomenon Sequence Variant Interpretation Standards - Updated. Collection method: curation. Allele origin: germline. Affected: yes.
Comment: ABCB11 p.Gly78Asp (c.233G>A) is a missense variant that changes the amino acid at residue 78 from Glycine to Aspartic acid. This variant has been observed in at least one proband with an ABCB11-related disorder (PMID:32808743). It is absent or not present at a significant frequency in gnomAD. In conclusion, we classify ABCB11 p.Gly78Asp (c.233G>A) as a variant of uncertain significance.

Literature cited by the submitters: PubMed 32808743.